The following is an entry in ClinVar:

ClinVar aggregate classification (germline): Uncertain significance (1 of 4 stars; one submission).

gnomAD v4.1: 1 of 1,613,652 alleles (0.000062%); highest among the groups gnomAD compares: Non-Finnish European, 0.000085%; no homozygotes.

Submission:

Ambry Genetics
Classification: Uncertain significance. Last evaluated: 2024-09-04. Review status: criteria provided, single submitter. Criteria: Ambry Variant Classification Scheme 2023. Collection method: clinical testing. Allele origin: germline.
Comment: The p.P522H variant (also known as c.1565C>A), located in coding exon 15 of the PRKDC gene, results from a C to A substitution at nucleotide position 1565. The proline at codon 522 is replaced by histidine, an amino acid with similar properties. This amino acid position is conserved. In addition, this alteration is predicted to be tolerated by in silico analysis. Based on the available evidence, the clinical significance of this variant remains unclear.

NM_006904.7(PRKDC):c.1565C>A (p.Pro522His)

Gene: PRKDC (protein kinase, DNA-activated, catalytic subunit; minus strand). Cytogenetic location: 8q11.21.
Variant type: single nucleotide variant.
Coding change: c.1565C>A on transcript NM_006904.7 (MANE Select); coding-DNA position 1565, C replaced by A.
Protein change: p.Pro522His; replaces proline 522 with histidine.
Molecular consequence: missense variant.
Genome position (GRCh38, 1-based): chr8:47,934,023, G>T on the plus strand (C>A on the coding strand, the complement: PRKDC is on the minus strand). VCF-style: chr8-47934023-G-T. GRCh37 (hg19) VCF-style: chr8-48846583-G-T.
Other names: c.1565C>A, p.Pro522His (NM_001081640.2); short protein forms P522H.
Identifiers: ClinVar variation 3425226 (VCV003425226.1).